The following is an entry in ClinVar:

ClinVar aggregate classification (germline): Uncertain significance (1 of 4 stars; one submission).

Conditions:
Hereditary cancer-predisposing syndrome. Also called: Neoplastic Syndromes, Hereditary; Tumor predisposition; Hereditary Cancer Syndrome; Hereditary neoplastic syndrome. Identifiers: Orphanet 140162, MedGen C0027672, MeSH D009386, MONDO:0015356.

Submission:

Ambry Genetics
Classification: Uncertain significance for Hereditary cancer-predisposing syndrome. Last evaluated: 2024-10-11. Review status: criteria provided, single submitter. Criteria: Ambry Variant Classification Scheme 2023. Collection method: clinical testing. Allele origin: germline.
Comment: The p.G618S variant (also known as c.1852G>A), located in coding exon 14 of the APC gene, results from a G to A substitution at nucleotide position 1852. The glycine at codon 618 is replaced by serine, an amino acid with similar properties. This amino acid position is conserved. In addition, in silico predictors for this gene do not accurately predict pathogenicity. Based on the available evidence, the clinical significance of this variant remains unclear.

NM_000038.6(APC):c.1852G>A (p.Gly618Ser)

Gene: APC (APC regulator of Wnt signaling pathway; plus strand). Cytogenetic location: 5q22.2.
Variant type: single nucleotide variant.
Coding change: c.1852G>A on transcript NM_000038.6 (MANE Select); coding-DNA position 1852, G replaced by A.
Protein change: p.Gly618Ser; replaces glycine 618 with serine.
Molecular consequence: missense variant. On other transcripts: non-coding transcript variant (2).
Genome position (GRCh38, 1-based): chr5:112,835,059, G>A. VCF-style: chr5-112835059-G-A. GRCh37 (hg19) VCF-style: chr5-112170756-G-A.
Other names: c.1852G>A, p.Gly618Ser (NM_001127510.3, NM_001354895.2, NM_001407450.1); c.1798G>A, p.Gly600Ser (NM_001127511.3); c.1906G>A, p.Gly636Ser (NM_001354896.2, NM_001407447.1, NM_001407448.1 and 1 more transcripts); c.1882G>A, p.Gly628Ser (NM_001354897.2); c.1777G>A, p.Gly593Ser (NM_001354898.2); c.1768G>A, p.Gly590Ser (NM_001354899.2); c.1729G>A, p.Gly577Ser (NM_001354900.2); c.1675G>A, p.Gly559Ser (NM_001354901.2, NM_001407453.1); and 11 more; short protein forms G335S, G535S, G611S, G628S, G489S, G517S, G527S, G577S.
Identifiers: ClinVar variation 3411623 (VCV003411623.1).